The following is an entry in ClinVar:

NM_000018.4(ACADVL):c.1179_1180del (p.Glu394fs)

Gene: ACADVL (acyl-CoA dehydrogenase very long chain; plus strand). Cytogenetic location: 17p13.1.
Variant type: Deletion.
Coding change: c.1179_1180del on transcript NM_000018.4 (MANE Select); coding-DNA positions 1179 to 1180, 2 bases deleted (TG; older notation c.1179_1180delTG).
Protein change: p.Glu394fs; shifts the reading frame from glutamic acid 394.
Molecular consequence: frameshift variant.
Genome position (GRCh38, 1-based): chr17:7,223,234-7,223,235, TG deleted. VCF-style (leftmost placement, unchanged base first): chr17-7223233-CTG-C. GRCh37 (hg19) VCF-style: chr17-7126552-CTG-C.
Other names: c.1113_1114del, p.Glu372fs (NM_001033859.3); c.1248_1249del, p.Glu417fs (NM_001270447.2); c.951_952del, p.Glu318fs (NM_001270448.2); short protein forms E318fs, E372fs, E394fs, E417fs.
Identifiers: ClinVar variation 4817233 (VCV004817233.2).

ClinVar aggregate classification (germline): Pathogenic/Likely pathogenic. Review status: criteria provided, multiple submitters, no conflicts (2 of 4 stars). 2 submissions from 2 submitters: Pathogenic (1); Likely pathogenic (1). Last evaluated 2025-02-18.

Conditions:
Very long chain acyl-CoA dehydrogenase deficiency (ACADVLD). Also called: VLCAD Deficiency; Very Long-Chain Acyl-Coenzyme A Dehydrogenase Deficiency. Identifiers: Orphanet 26793, MedGen C3887523, MONDO:0008723, OMIM 201475.

Submissions (2):

Myriad Genetics, Inc.
Classification: Pathogenic for Very long chain acyl-CoA dehydrogenase deficiency. Last evaluated: 2025-02-18. Review status: criteria provided, single submitter. Criteria: Myriad Autosomal Dominant, Autosomal Recessive and X-Linked Classification Criteria (2023). Collection method: clinical testing. Allele origin: unknown.
Comment: NM_000018.3(ACADVL):c.1179_1180delTG(E394Vfs*9) is expected to be pathogenic in the context of very-long-chain acyl-CoA dehydrogenase deficiency. This variant is predicted to lead to an abnormal or absent protein product due to the creation of a premature termination codon in ACADVL, a gene where loss-of-function variants are known to be pathogenic. Please note: this variant was assessed in the context of healthy population screening.

Natera, Inc.
Classification: Likely pathogenic for Very long chain acyl-CoA dehydrogenase deficiency. Last evaluated: 2024-08-19. Review status: criteria provided, single submitter. Criteria: Natera Variant Classification Schema (03/2026). Collection method: clinical testing. Allele origin: germline.
Comment: The c.1179_1180del variant in ACADVL is a frameshift variant predicted to shift the reading frame beginning at codon 394 and leads to a stop codon 9 codons downstream. This variant is expected to result in nonsense mediated decay, truncation, or a dysfunctional protein product. This variant is rare in the general population with a frequency below the threshold expected for the associated phenotype(s). Given the available evidence, this variant is classified as Likely Pathogenic.